The following is an entry in ClinVar:

NM_001018115.3(FANCD2):c.486T>G (p.Phe162Leu)

Genes: FANCD2 (FA complementation group D2; plus strand), LOC107303338 (3p25 FANCD2 Alu-mediated recombination region; plus strand). Cytogenetic location: 3p25.3.
Variant type: single nucleotide variant.
Coding change: c.486T>G on transcript NM_001018115.3 (MANE Select); coding-DNA position 486, T replaced by G.
Protein change: p.Phe162Leu; replaces phenylalanine 162 with leucine.
Molecular consequence: missense variant.
Genome position (GRCh38, 1-based): chr3:10,036,334, T>G. VCF-style: chr3-10036334-T-G. GRCh37 (hg19) VCF-style: chr3-10078018-T-G.
Other names: c.486T>G, p.Phe162Leu (NM_001319984.2, NM_001374253.1, NM_001374254.1 and 2 more transcripts); short protein forms F162L.
Identifiers: ClinVar variation 1040862 (VCV001040862.8), dbSNP rs2086730814, ClinGen allele CA351722403.

ClinVar aggregate classification (germline): Uncertain significance (1 of 4 stars; one submission).

Conditions:
Fanconi anemia (FA). Also called: Fanconi's anemia. Identifiers: Orphanet 84, MedGen C0015625, MeSH D005199, MONDO:0019391.

Submission:

Labcorp Genetics (formerly Invitae), Labcorp
Classification: Uncertain significance for Fanconi anemia. Last evaluated: 2022-02-20. Review status: criteria provided, single submitter. Criteria: Invitae Variant Classification Sherloc (09022015). Collection method: clinical testing. Allele origin: germline.
Comment: In summary, the available evidence is currently insufficient to determine the role of this variant in disease. Therefore, it has been classified as a Variant of Uncertain Significance. Algorithms developed to predict the effect of missense changes on protein structure and function (SIFT, PolyPhen-2, Align-GVGD) all suggest that this variant is likely to be tolerated. ClinVar contains an entry for this variant (Variation ID: 1040862). This variant has not been reported in the literature in individuals affected with FANCD2-related conditions. This variant is not present in population databases (gnomAD no frequency). This sequence change replaces phenylalanine, which is neutral and non-polar, with leucine, which is neutral and non-polar, at codon 162 of the FANCD2 protein (p.Phe162Leu).